The following is an entry in ClinVar:

ClinVar aggregate classification (germline): Uncertain significance. Review status: criteria provided, multiple submitters, no conflicts (2 of 4 stars). 2 submissions from 2 submitters: Uncertain significance (2). Last evaluated 2025-05-05.

Conditions:
Cardiofaciocutaneous syndrome 3 (CFC3). Also called: MAP2K1-Related Cardiofaciocutaneous Syndrome. Identifiers: Orphanet 1340, MedGen C3809006, MONDO:0014113, OMIM 615279.
Melorheostosis (MEL). Also called: MELORHEOSTOSIS, ISOLATED. Identifiers: Orphanet 2485, MedGen C3149631, MONDO:0007970, OMIM 155950, HP:6000817.

gnomAD v4.1: 7 of 1,596,322 alleles (0.00044%); highest among the groups gnomAD compares: East Asian, 0.016%; no homozygotes.

Submissions (2):

Women's Health and Genetics/Laboratory Corporation of America, LabCorp
Classification: Uncertain significance. Last evaluated: 2025-05-05. Review status: criteria provided, single submitter. Criteria: LabCorp Variant Classification Summary - May 2015. Collection method: clinical testing. Allele origin: germline.
Comment: Variant summary: MAP2K1 c.*17A>T is located in the untranslated mRNA region downstream of the termination codon. The variant allele was found at a frequency of 2e-05 in 251134 control chromosomes. The available data on variant occurrences in the general population are insufficient to allow any conclusion about variant significance. To our knowledge, no occurrence of c.*17A>T in individuals affected with Cardiofaciocutaneous Syndrome and no experimental evidence demonstrating its impact on protein function have been reported. ClinVar contains an entry for this variant (Variation ID: 3577610). Based on the evidence outlined above, the variant was classified as uncertain significance.

Fulgent Genetics
Classification: Uncertain significance for Melorheostosis; Cardiofaciocutaneous syndrome 3. Last evaluated: 2024-01-23. Review status: criteria provided, single submitter. Criteria: ACMG Guidelines, 2015. Collection method: clinical testing. Allele origin: germline.

NM_002755.4(MAP2K1):c.*17A>T

Genes: MAP2K1 (mitogen-activated protein kinase kinase 1; plus strand), SNAPC5 (small nuclear RNA activating complex polypeptide 5; minus strand). Cytogenetic location: 15q22.31.
Variant type: single nucleotide variant.
Coding change: c.*17A>T on transcript NM_002755.4 (MANE Select); 17 bases downstream of the stop codon, A replaced by T.
Molecular consequence: 3 prime UTR variant. On other transcripts: non-coding transcript variant (1).
Genome position (GRCh38, 1-based): chr15:66,490,632, A>T. VCF-style: chr15-66490632-A-T. GRCh37 (hg19) VCF-style: chr15-66782970-A-T.
Other names: c.*107T>A (NM_006049.4); c.*17A>T (NM_001411065.1).
Identifiers: ClinVar variation 3577610 (VCV003577610.1).